The following is an entry in ClinVar:

NM_003601.4(SMARCA5):c.906G>T (p.Trp302Cys)

Gene: SMARCA5 (SNF2 related chromatin remodeling ATPase 5; plus strand). Cytogenetic location: 4q31.21.
Variant type: single nucleotide variant.
Coding change: c.906G>T on transcript NM_003601.4 (MANE Select); coding-DNA position 906, G replaced by T.
Protein change: p.Trp302Cys; replaces tryptophan 302 with cysteine.
Molecular consequence: missense variant.
Genome position (GRCh38, 1-based): chr4:143,527,972, G>T. VCF-style: chr4-143527972-G-T. GRCh37 (hg19) VCF-style: chr4-144449125-G-T.
Other names: short protein forms W302C.
Identifiers: ClinVar variation 4880949 (VCV004880949.2).
Genomic context (GRCh38, chr4:143,527,972, plus strand): 5'-ATGTGTAACATCTTATGAAATGCTTATTAAAGAGAAGTCTGTGTTCAAAAAATTTAATTG[G>T]AGATACTTAGTAATAGATGAAGCTCACAGGATCAAAAATGAAAAATCTAAGGTAATTTGA-3'
Protein context (NP_003592.3, residues 292-312): KEKSVFKKFN[Trp302Cys]RYLVIDEAHR

ClinVar aggregate classification (germline): Uncertain significance (1 of 4 stars; one submission).

Conditions:
Complex neurodevelopmental disorder. Identifiers: Orphanet 528084, MedGen C5568766, MONDO:0100038.

Submission:

Dasa
Classification: Uncertain significance for Complex neurodevelopmental disorder. Last evaluated: 2026-03-05. Review status: criteria provided, single submitter. Criteria: DASA Assertion Criteria. Collection method: clinical testing. Allele origin: germline.
Comment: NM_003601.4(SMARCA5):c.906G>T (p.Trp302Cys) is a missense variant that results in the substitution of tryptophan with cysteine. This variant is absent from population databases. Computational prediction algorithms are consistent with a deleterious effect. The currently available literature and clinical evidence are not sufficient to establish a definitive association between this variant and the reported condition. Therefore, this variant is classified as a variant of uncertain significance.